The following is an entry in ClinVar:

ClinVar aggregate classification (germline): Likely benign. Review status: criteria provided, multiple submitters, no conflicts (2 of 4 stars). 4 submissions from 4 submitters: Likely benign (4). Last evaluated 2025-11-27.

Conditions:
Nemaline myopathy 2 (NEM2). Also called: Nemaline myopathy 2, autosomal recessive. Identifiers: MedGen C1850569, MONDO:0009725, OMIM 256030.

Allele frequency attached by ClinVar (database versions not stated): gnomAD 0.00001; gnomAD exomes 0.00003 and 0.00004; TOPMed 0.00005; ESP Exome Variant Server 0.00008; ExAC 0.00012.
gnomAD v4.1: 59 of 1,524,734 alleles (0.0039%); highest among the groups gnomAD compares: Middle Eastern, 0.41%; no homozygotes.

Submissions (4):

Labcorp Genetics (formerly Invitae), Labcorp
Classification: Likely benign for Nemaline myopathy 2. Last evaluated: 2025-11-27. Review status: criteria provided, single submitter. Criteria: Invitae Variant Classification Sherloc (09022015). Collection method: clinical testing. Allele origin: germline.

Blueprint Genetics
Classification: Likely benign. Last evaluated: 2024-11-05. Review status: criteria provided, single submitter. Criteria: ACMG Guidelines, 2015. Collection method: clinical testing. Allele origin: germline.

GeneDx
Classification: Likely benign. Last evaluated: 2018-01-11. Review status: criteria provided, single submitter. Criteria: GeneDx Variant Classification (06012015). Collection method: clinical testing. Allele origin: germline. Affected: yes.
Comment: This variant is considered likely benign or benign based on one or more of the following criteria: it is a conservative change, it occurs at a poorly conserved position in the protein, it is predicted to be benign by multiple in silico algorithms, and/or has population frequency not consistent with disease.

Breakthrough Genomics
Classification: Likely benign. Review status: criteria provided, single submitter. Criteria: ACMG Guidelines, 2015. Collection method: not provided. Allele origin: germline. Inheritance: Autosomal recessive inheritance. Affected: yes.

NM_001164508.2(NEB):c.18366+15T>G

Gene: NEB (nebulin; minus strand). Cytogenetic location: 2q23.3.
Variant type: single nucleotide variant.
Coding change: c.18366+15T>G on transcript NM_001164508.2 (MANE Select); 15 bases into the intron after coding-DNA position 18366, T replaced by G.
Molecular consequence: intron variant.
Genome position (GRCh38, 1-based): chr2:151,565,486, A>C on the plus strand (T>G on the coding strand, the complement: NEB is on the minus strand). VCF-style: chr2-151565486-A-C. GRCh37 (hg19) VCF-style: chr2-152422000-A-C.
Other names: c.13263+15T>G (NM_004543.5); c.18366+15T>G (NM_001164507.2, NM_001271208.2).
Identifiers: ClinVar variation 514474 (VCV000514474.12), dbSNP rs377385674, ClinGen allele CA1907975.